The following is an entry in ClinVar:

NM_006514.4(SCN10A):c.4765G>A (p.Ala1589Thr)

Gene: SCN10A (sodium voltage-gated channel alpha subunit 10; minus strand). Cytogenetic location: 3p22.2.
Variant type: single nucleotide variant.
Coding change: c.4765G>A on transcript NM_006514.4 (MANE Select); coding-DNA position 4765, G replaced by A.
Protein change: p.Ala1589Thr; replaces alanine 1589 with threonine.
Molecular consequence: missense variant.
Genome position (GRCh38, 1-based): chr3:38,698,455, C>T on the plus strand (G>A on the coding strand, the complement: SCN10A is on the minus strand). VCF-style: chr3-38698455-C-T. GRCh37 (hg19) VCF-style: chr3-38739946-C-T.
Other names: c.4762G>A, p.Ala1588Thr (NM_001293306.2); c.4471G>A, p.Ala1491Thr (NM_001293307.2); short protein forms A1491T, A1589T, A1588T.
Identifiers: ClinVar variation 4707248 (VCV004707248.1).

ClinVar aggregate classification (germline): Uncertain significance (1 of 4 stars; one submission).

Conditions:
Brugada syndrome. Also called: Sudden unexpected nocturnal death syndrome; Sudden Unexplained Death Syndrome; Sudden Unexplained Nocturnal Death Syndrome (SUNDS); Sudden unexplained nocturnal death syndrome. Identifiers: Orphanet 130, MedGen C1142166, MONDO:0015263.

Submission:

Labcorp Genetics (formerly Invitae), Labcorp
Classification: Uncertain significance for Brugada syndrome. Last evaluated: 2026-01-13. Review status: criteria provided, single submitter. Criteria: Invitae Variant Classification Sherloc (09022015). Collection method: clinical testing. Allele origin: germline.
Comment: This sequence change replaces alanine, which is neutral and non-polar, with threonine, which is neutral and polar, at codon 1589 of the SCN10A protein (p.Ala1589Thr). This variant is not present in population databases (gnomAD no frequency). This variant has not been reported in the literature in individuals affected with SCN10A-related conditions. Invitae Evidence Modeling of protein sequence and biophysical properties (such as structural, functional, and spatial information, amino acid conservation, physicochemical variation, residue mobility, and thermodynamic stability) indicates that this missense variant is expected to disrupt SCN10A protein function with a positive predictive value of 80%. In summary, the available evidence is currently insufficient to determine the role of this variant in disease. Therefore, it has been classified as a Variant of Uncertain Significance.